The following is an entry in ClinVar:

NM_006206.6(PDGFRA):c.1685T>C (p.Ile562Thr)

Gene: PDGFRA (platelet derived growth factor receptor alpha; plus strand). Cytogenetic location: 4q12.
Variant type: single nucleotide variant.
Coding change: c.1685T>C on transcript NM_006206.6 (MANE Select); coding-DNA position 1685, T replaced by C.
Protein change: p.Ile562Thr; replaces isoleucine 562 with threonine.
Molecular consequence: missense variant.
Genome position (GRCh38, 1-based): chr4:54,274,872, T>C. VCF-style: chr4-54274872-T-C. GRCh37 (hg19) VCF-style: chr4-55141039-T-C.
Other names: c.1685T>C, p.Ile562Thr (NM_001347827.2, NM_001347829.2); c.1760T>C, p.Ile587Thr (NM_001347828.2); c.1724T>C, p.Ile575Thr (NM_001347830.2); short protein forms I575T, I562T, I587T.
Identifiers: ClinVar variation 1777990 (VCV001777990.2), dbSNP rs2110299563, ClinGen allele CA356893083.
Genomic context (GRCh38, chr4:54,274,872, plus strand): 5'-CACCAGTTACCTGTCCTGGTCATTTATAGAAACCGAGGTATGAAATTCGCTGGAGGGTCA[T>C]TGAATCAATCAGCCCAGATGGACATGAATATATTTATGTGGACCCGATGCAGCTGCCTTA-3'
Protein context (NP_006197.1, residues 552-572): KPRYEIRWRV[Ile562Thr]ESISPDGHEY

ClinVar aggregate classification (germline): Uncertain significance (1 of 4 stars; one submission).

Conditions:
Hereditary cancer-predisposing syndrome. Also called: Neoplastic Syndromes, Hereditary; Tumor predisposition; Hereditary Cancer Syndrome; Hereditary neoplastic syndrome. Identifiers: Orphanet 140162, MedGen C0027672, MeSH D009386, MONDO:0015356.

Submission:

Ambry Genetics
Classification: Uncertain significance for Hereditary cancer-predisposing syndrome. Last evaluated: 2022-02-26. Review status: criteria provided, single submitter. Criteria: Ambry Variant Classification Scheme 2023. Collection method: clinical testing. Allele origin: germline.
Comment: The p.I562T variant (also known as c.1685T>C), located in coding exon 11 of the PDGFRA gene, results from a T to C substitution at nucleotide position 1685. The isoleucine at codon 562 is replaced by threonine, an amino acid with similar properties. This amino acid position is conserved. In addition, this alteration is predicted to be deleterious by in silico analysis. Since supporting evidence is limited at this time, the clinical significance of this alteration remains unclear.